The following is an entry in ClinVar:

NM_001009944.3(PKD1):c.6289G>A (p.Gly2097Arg)

Gene: PKD1 (polycystin 1, transient receptor potential channel interacting; minus strand). Cytogenetic location: 16p13.3.
Variant type: single nucleotide variant.
Coding change: c.6289G>A on transcript NM_001009944.3 (MANE Select); coding-DNA position 6289, G replaced by A.
Protein change: p.Gly2097Arg; replaces glycine 2097 with arginine.
Molecular consequence: missense variant.
Genome position (GRCh38, 1-based): chr16:2,108,878, C>T on the plus strand (G>A on the coding strand, the complement: PKD1 is on the minus strand). VCF-style: chr16-2108878-C-T. GRCh37 (hg19) VCF-style: chr16-2158879-C-T.
Other names: c.6289G>A, p.Gly2097Arg (NM_000296.4); short protein forms G2097R.
Identifiers: ClinVar variation 4082666 (VCV004082666.1).

ClinVar aggregate classification (germline): Uncertain significance (1 of 4 stars; one submission).

Submission:

GeneDx
Classification: Uncertain significance. Last evaluated: 2025-03-05. Review status: criteria provided, single submitter. Criteria: GeneDx Variant Classification Process June 2021. Collection method: clinical testing. Allele origin: germline. Affected: yes.
Comment: Not observed at significant frequency in large population cohorts (gnomAD); In silico analysis supports that this missense variant has a deleterious effect on protein structure/function; Has not been previously published as pathogenic or benign to our knowledge